The following is an entry in ClinVar:

ClinVar aggregate classification (germline): Pathogenic (1 of 4 stars; one submission).

Conditions:
Carnitine palmitoyltransferase II deficiency. Also called: Carnitine Palmitoyltransferase 2 Deficiency. Identifiers: Orphanet 157, MedGen C0342790, MONDO:0015515.

Submission:

Myriad Genetics, Inc.
Classification: Pathogenic for Carnitine palmitoyltransferase II deficiency. Last evaluated: 2024-11-23. Review status: criteria provided, single submitter. Criteria: Myriad Autosomal Dominant, Autosomal Recessive and X-Linked Classification Criteria (2023). Collection method: clinical testing. Allele origin: unknown.
Comment: NM_000098.2(CPT2):c.56delG(G19Efs*54) is expected to be pathogenic in the context of carnitine palmitoyltransferase II deficiency. This variant is predicted to lead to an abnormal or absent protein product due to the creation of a premature termination codon in CPT2, a gene where loss-of-function variants are known to be pathogenic. Please note: this variant was assessed in the context of healthy population screening.

NM_000098.3(CPT2):c.56del (p.Gly19fs)

Genes: CPT2 (carnitine palmitoyltransferase 2; plus strand), LOC129930561 (ATAC-STARR-seq lymphoblastoid silent region 902; plus strand). Cytogenetic location: 1p32.3.
Variant type: Deletion.
Coding change: c.56del on transcript NM_000098.3 (MANE Select); coding-DNA position 56, one base deleted (G; older notation c.56delG).
Protein change: p.Gly19fs; shifts the reading frame from glycine 19.
Molecular consequence: frameshift variant.
Genome position (GRCh38, 1-based): chr1:53,196,999, G deleted; the last of 3 consecutive G bases (chr1:53,196,997-53,196,999); deleting any one gives the same sequence. VCF-style (leftmost placement, unchanged base first): chr1-53196996-CG-C. GRCh37 (hg19) VCF-style: chr1-53662668-CG-C.
Other names: c.56del, p.Gly19fs (NM_001330589.2); short protein forms G19fs.
Identifiers: ClinVar variation 5013794 (VCV005013794.1).